The following is an entry in ClinVar:

NM_052874.5(STX1B):c.805A>C (p.Ile269Leu)

Gene: STX1B (syntaxin 1B; minus strand). Cytogenetic location: 16p11.2.
Variant type: single nucleotide variant.
Coding change: c.805A>C on transcript NM_052874.5 (MANE Select); coding-DNA position 805, A replaced by C.
Protein change: p.Ile269Leu; replaces isoleucine 269 with leucine.
Molecular consequence: missense variant.
Genome position (GRCh38, 1-based): chr16:30,992,883, T>G on the plus strand (A>C on the coding strand, the complement: STX1B is on the minus strand). VCF-style: chr16-30992883-T-G. GRCh37 (hg19) VCF-style: chr16-31004204-T-G.
Other names: short protein forms I269L.
Identifiers: ClinVar variation 1487967 (VCV001487967.7), dbSNP rs530737248, ClinGen allele CA8018230.

ClinVar aggregate classification (germline): Conflicting classifications of pathogenicity. Review status: criteria provided, conflicting classifications (1 of 4 stars). 2 submissions from 2 submitters: Uncertain significance (1); Likely benign (1). Last evaluated 2024-06-21.

Conditions:
Generalized epilepsy with febrile seizures plus, type 9 (GEFSP9). Also called: GEFS+, TYPE 9. Identifiers: Orphanet 36387, MedGen C4015395, MONDO:0014517, OMIM 616172.

Allele frequency attached by ClinVar (database versions not stated): TOPMed below 0.00001; gnomAD 0.00001; gnomAD exomes 0.00002 and 0.00006; ExAC 0.00008; 1000 Genomes Project 0.00020; 1000 Genomes Project 30x 0.00031.
gnomAD v4.1: 25 of 1,613,436 alleles (0.0015%); highest among the groups gnomAD compares: South Asian, 0.026%; no homozygotes.

Submissions (2):

Blueprint Genetics
Classification: Likely benign. Last evaluated: 2024-06-21. Review status: criteria provided, single submitter. Criteria: ACMG Guidelines, 2015. Collection method: clinical testing. Allele origin: germline.

Labcorp Genetics (formerly Invitae), Labcorp
Classification: Uncertain significance for Generalized epilepsy with febrile seizures plus, type 9. Last evaluated: 2021-08-14. Review status: criteria provided, single submitter. Criteria: Invitae Variant Classification Sherloc (09022015). Collection method: clinical testing. Allele origin: germline.
Comment: This variant has not been reported in the literature in individuals affected with STX1B-related conditions. This sequence change replaces isoleucine with leucine at codon 269 of the STX1B protein (p.Ile269Leu). The isoleucine residue is highly conserved and there is a small physicochemical difference between isoleucine and leucine. This variant is present in population databases (rs530737248, ExAC 0.06%), and has an allele count higher than expected for a pathogenic variant (PMID: 28166811). Algorithms developed to predict the effect of missense changes on protein structure and function are either unavailable or do not agree on the potential impact of this missense change (SIFT: "Deleterious"; PolyPhen-2: "Benign"; Align-GVGD: "Class C0"). In summary, the available evidence is currently insufficient to determine the role of this variant in disease. Therefore, it has been classified as a Variant of Uncertain Significance.

Literature cited by the submitters: PubMed 28166811 (cited by Labcorp Genetics (formerly Invitae), Labcorp).